The following is an entry in ClinVar:

NM_000059.4(BRCA2):c.3124_3125del (p.Leu1042fs)

Gene: BRCA2 (BRCA2 DNA repair associated; plus strand). Cytogenetic location: 13q13.1.
Variant type: Deletion.
Coding change: c.3124_3125del on transcript NM_000059.4 (MANE Select); coding-DNA positions 3124 to 3125, 2 bases deleted (TT; older notation c.3124_3125delTT).
Protein change: p.Leu1042fs; shifts the reading frame from leucine 1042.
Molecular consequence: frameshift variant.
Genome position (GRCh38, 1-based): chr13:32,337,479-32,337,480, TT deleted; deleting any 2 consecutive bases within chr13:32,337,478-32,337,480 gives the same sequence; the c. name uses the placement nearest the transcript's 3' end. VCF-style (leftmost placement, unchanged base first): chr13-32337477-GTT-G. GRCh37 (hg19) VCF-style: chr13-32911614-GTT-G.
Other names: short protein forms L1042fs.
Identifiers: ClinVar variation 1452194 (VCV001452194.6), dbSNP rs2137493447, ClinGen allele CA2573149277.

ClinVar aggregate classification (germline): Pathogenic (1 of 4 stars; one submission).

Conditions:
Hereditary breast ovarian cancer syndrome. Also called: Hereditary breast and ovarian cancer; Hereditary breast and ovarian cancer syndrome (HBOC); Breast and ovarian cancer; Hereditary breast and ovarian cancer syndrome; Hereditary breast and/or ovarian cancer syndrome; BRCA1- and BRCA2-Associated Hereditary Breast and Ovarian Cancer. Identifiers: Orphanet 145, MedGen C0677776, MeSH D061325, MONDO:0003582. Disease mechanism: loss of function.

Submission:

Labcorp Genetics (formerly Invitae), Labcorp
Classification: Pathogenic for Hereditary breast ovarian cancer syndrome. Last evaluated: 2021-11-25. Review status: criteria provided, single submitter. Criteria: Invitae Variant Classification Sherloc (09022015). Collection method: clinical testing. Allele origin: germline.
Comment: For these reasons, this variant has been classified as Pathogenic. This variant has not been reported in the literature in individuals affected with BRCA2-related conditions. This variant is not present in population databases (gnomAD no frequency). This sequence change creates a premature translational stop signal (p.Leu1042Serfs*4) in the BRCA2 gene. It is expected to result in an absent or disrupted protein product. Loss-of-function variants in BRCA2 are known to be pathogenic (PMID: 20104584).

Literature cited by the submitters: PubMed 20104584.